The following is an entry in ClinVar:

ClinVar aggregate classification (germline): Likely benign (1 of 4 stars; one submission).

Allele frequency attached by ClinVar (database versions not stated): TOPMed below 0.00001; ExAC 0.00001; gnomAD exomes 0.00001.
gnomAD v4.1: 4 of 1,613,454 alleles (0.00025%); highest among the groups gnomAD compares: Non-Finnish European, 0.00034%; no homozygotes.

Submission:

GeneDx
Classification: Likely benign. Last evaluated: 2018-04-30. Review status: criteria provided, single submitter. Criteria: GeneDx Variant Classification (06012015). Collection method: clinical testing. Allele origin: germline. Affected: yes.
Comment: This variant is considered likely benign or benign based on one or more of the following criteria: it is a conservative change, it occurs at a poorly conserved position in the protein, it is predicted to be benign by multiple in silico algorithms, and/or has population frequency not consistent with disease.

NM_001267550.2(TTN):c.32701G>C (p.Glu10901Gln)

Gene: TTN (titin; minus strand). Cytogenetic location: 2q31.2.
Variant type: single nucleotide variant.
Coding change: c.32701G>C on transcript NM_001267550.2 (MANE Select); coding-DNA position 32701, G replaced by C.
Protein change: p.Glu10901Gln; replaces glutamic acid 10901 with glutamine.
Molecular consequence: missense variant. On other transcripts: intron variant (3).
Genome position (GRCh38, 1-based): chr2:178,684,351, C>G on the plus strand (G>C on the coding strand, the complement: TTN is on the minus strand). VCF-style: chr2-178684351-C-G. GRCh37 (hg19) VCF-style: chr2-179549078-C-G.
Other names: c.31750G>C, p.Glu10584Gln (NM_001256850.1); c.28969G>C, p.Glu9657Gln (NM_133378.4); c.13283-42034G>C (NM_003319.4); c.13859-42034G>C (NM_133437.4); c.13658-42034G>C (NM_133432.3); short protein forms E10584Q, E10901Q, E9657Q.
Identifiers: ClinVar variation 682466 (VCV000682466.1), dbSNP rs757739675, ClinGen allele CA1998559.